The following is an entry in ClinVar:

NM_033380.3(COL4A5):c.2615G>T (p.Gly872Val)

Gene: COL4A5 (collagen type IV alpha 5 chain; plus strand). Cytogenetic location: Xq22.3.
Variant type: single nucleotide variant.
Coding change: c.2615G>T on transcript NM_033380.3 (MANE Select); coding-DNA position 2615, G replaced by T.
Protein change: p.Gly872Val; replaces glycine 872 with valine.
Molecular consequence: missense variant.
Genome position (GRCh38, 1-based): chrX:108,620,364, G>T. VCF-style: chrX-108620364-G-T. GRCh37 (hg19) VCF-style: chrX-107863594-G-T.
Other names: c.2615G>T, p.Gly872Val (NM_000495.5); short protein forms G872V.
Identifiers: ClinVar variation 3775232 (VCV003775232.1).

ClinVar aggregate classification (germline): Likely pathogenic (1 of 4 stars; one submission).

Conditions:
X-linked Alport syndrome (ATS1). Also called: NEPHROPATHY AND DEAFNESS, X-LINKED; COL4A5-Related Nephropathy. Identifiers: Orphanet 63, Orphanet 88917, MedGen C4746986, MONDO:0010520, OMIM 301050.

Submission:

3billion
Classification: Likely pathogenic for X-linked Alport syndrome. Last evaluated: 2023-09-27. Review status: criteria provided, single submitter. Criteria: ACMG Guidelines, 2015. Collection method: clinical testing. Allele origin: germline. Affected: yes.
Comment: The variant is not observed in the gnomAD v2.1.1 dataset. Predicted Consequence/Location: The variant is located in a mutational hot spot and/or well-established functional domain in which established pathogenic variants have been reported. In silico tool predictions suggest damaging effect of the variant on gene or gene product [REVEL: 0.98 (>=0.6, sensitivity 0.68 and specificity 0.92); 3Cnet: 0.94 (>=0.6, sensitivity 0.72 and precision 0.9)]. Different missense changes at the same codon (p.Gly872Ala, p.Gly872Arg, p.Gly872Asp, p.Gly872Cys, p.Gly872Ser) have been reported as pathogenic/likely pathogenic with strong evidence (ClinVar ID: VCV000522409, VCV000845467, VCV001075130 /PMID: 29270492, 33040356, 7599631 /3billion dataset). Therefore, this variant is classified as Likely pathogenic according to the recommendation of ACMG/AMP guideline.

Literature cited by the submitters: PubMed 29270492.